The following is an entry in ClinVar:

NM_000368.5(TSC1):c.1481C>G (p.Ala494Gly)

Gene: TSC1 (TSC complex subunit 1; minus strand). Cytogenetic location: 9q34.13.
Variant type: single nucleotide variant.
Coding change: c.1481C>G on transcript NM_000368.5 (MANE Select); coding-DNA position 1481, C replaced by G.
Protein change: p.Ala494Gly; replaces alanine 494 with glycine.
Molecular consequence: missense variant.
Genome position (GRCh38, 1-based): chr9:132,906,097, G>C on the plus strand (C>G on the coding strand, the complement: TSC1 is on the minus strand). VCF-style: chr9-132906097-G-C. GRCh37 (hg19) VCF-style: chr9-135781484-G-C.
Other names: c.1478C>G, p.Ala493Gly (NM_001406608.1, NM_001406609.1, NM_001406599.1 and 6 more transcripts); c.1328C>G, p.Ala443Gly (NM_001406610.1, NM_001162427.2); c.1325C>G, p.Ala442Gly (NM_001406611.1, NM_001406612.1, NM_001406613.1); c.1118C>G, p.Ala373Gly (NM_001406614.1, NM_001406615.1, NM_001406616.1 and 5 more transcripts); c.1481C>G, p.Ala494Gly (NM_001406601.1, NM_001406602.1, NM_001406592.1 and 7 more transcripts); c.1115C>G, p.Ala372Gly (NM_001406620.1, NM_001406621.1, NM_001406622.1 and 2 more transcripts); c.530C>G, p.Ala177Gly (NM_001406626.1); c.527C>G, p.Ala176Gly (NM_001406627.1, NM_001406628.1); and 1 more; short protein forms A493G, A177G, A373G, A443G, A176G, A494G, A143G, A372G.
Identifiers: ClinVar variation 2179269 (VCV002179269.4), dbSNP rs1845656247, ClinGen allele CA375365447.

ClinVar aggregate classification (germline): Uncertain significance (1 of 4 stars; one submission).

Conditions:
Tuberous sclerosis 1 (TSC1). Identifiers: Orphanet 805, MedGen C1854465, MONDO:0008612, OMIM 191100.

Submission:

Labcorp Genetics (formerly Invitae), Labcorp
Classification: Uncertain significance for Tuberous sclerosis 1. Last evaluated: 2022-03-13. Review status: criteria provided, single submitter. Criteria: Invitae Variant Classification Sherloc (09022015). Collection method: clinical testing. Allele origin: germline.
Comment: This sequence change replaces alanine, which is neutral and non-polar, with glycine, which is neutral and non-polar, at codon 494 of the TSC1 protein (p.Ala494Gly). This variant is not present in population databases (gnomAD no frequency). This variant has not been reported in the literature in individuals affected with TSC1-related conditions. Algorithms developed to predict the effect of missense changes on protein structure and function (SIFT, PolyPhen-2, Align-GVGD) all suggest that this variant is likely to be tolerated. In summary, the available evidence is currently insufficient to determine the role of this variant in disease. Therefore, it has been classified as a Variant of Uncertain Significance.